The following is an entry in ClinVar:

ClinVar aggregate classification (germline): Uncertain significance (1 of 4 stars; one submission).

Conditions:
Curry-Hall syndrome (WAD). Also called: WEYERS ACRODENTAL DYSOSTOSIS. Identifiers: Orphanet 952, MedGen C0457013, MONDO:0008673, OMIM 193530.
Ellis-van Creveld syndrome (EVC). Also called: EVC-Related Ellis-van Creveld Syndrome; EVC2-Related Ellis-van Creveld Syndrome; Chondroectodermal dysplasia; MESOECTODERMAL DYSPLASIA. Identifiers: Orphanet 289, MedGen C0013903, MONDO:0009162, OMIM 225500.

Allele frequency attached by ClinVar (database versions not stated): gnomAD exomes below 0.00001.
gnomAD v4.1: 1 of 1,614,118 alleles (0.000062%); highest among the groups gnomAD compares: South Asian, 0.0011%; no homozygotes.

Submission:

Labcorp Genetics (formerly Invitae), Labcorp
Classification: Uncertain significance for Curry-Hall syndrome; Ellis-van Creveld syndrome. Last evaluated: 2022-08-11. Review status: criteria provided, single submitter. Criteria: Invitae Variant Classification Sherloc (09022015). Collection method: clinical testing. Allele origin: germline.
Comment: This sequence change replaces valine, which is neutral and non-polar, with aspartic acid, which is acidic and polar, at codon 189 of the EVC2 protein (p.Val189Asp). This variant is not present in population databases (gnomAD no frequency). This variant has not been reported in the literature in individuals affected with EVC2-related conditions. Algorithms developed to predict the effect of missense changes on protein structure and function are either unavailable or do not agree on the potential impact of this missense change (SIFT: "Deleterious"; PolyPhen-2: "Probably Damaging"; Align-GVGD: "Class C0"). In summary, the available evidence is currently insufficient to determine the role of this variant in disease. Therefore, it has been classified as a Variant of Uncertain Significance.

NM_147127.5(EVC2):c.566T>A (p.Val189Asp)

Gene: EVC2 (EvC ciliary complex subunit 2; minus strand). Cytogenetic location: 4p16.2.
Variant type: single nucleotide variant.
Coding change: c.566T>A on transcript NM_147127.5 (MANE Select); coding-DNA position 566, T replaced by A.
Protein change: p.Val189Asp; replaces valine 189 with aspartic acid.
Molecular consequence: missense variant.
Genome position (GRCh38, 1-based): chr4:5,689,297, A>T on the plus strand (T>A on the coding strand, the complement: EVC2 is on the minus strand). VCF-style: chr4-5689297-A-T. GRCh37 (hg19) VCF-style: chr4-5691024-A-T.
Other names: c.326T>A, p.Val109Asp (NM_001166136.2); short protein forms V109D, V189D.
Identifiers: ClinVar variation 1914371 (VCV001914371.2), dbSNP rs1720945776, ClinGen allele CA356148598.